The following is an entry in ClinVar:

NM_015426.5(POC1A):c.160G>A (p.Ala54Thr)

Gene: POC1A (POC1 centriolar protein A; minus strand). Cytogenetic location: 3p21.2.
Variant type: single nucleotide variant.
Coding change: c.160G>A on transcript NM_015426.5 (MANE Select); coding-DNA position 160, G replaced by A.
Protein change: p.Ala54Thr; replaces alanine 54 with threonine.
Molecular consequence: missense variant.
Genome position (GRCh38, 1-based): chr3:52,149,931, C>T on the plus strand (G>A on the coding strand, the complement: POC1A is on the minus strand). VCF-style: chr3-52149931-C-T. GRCh37 (hg19) VCF-style: chr3-52183947-C-T.
Other names: c.160G>A, p.Ala54Thr (NM_001161580.2); c.46G>A, p.Ala16Thr (NM_001161581.2); short protein forms A54T, A16T.
Identifiers: ClinVar variation 2388542 (VCV002388542.3), dbSNP rs566425321, ClinGen allele CA2429719.

ClinVar aggregate classification (germline): Uncertain significance. Review status: criteria provided, multiple submitters, no conflicts (2 of 4 stars). 2 submissions from 2 submitters: Uncertain significance (2). Last evaluated 2025-03-06.

Conditions:
Inborn genetic diseases. Identifiers: MedGen C0950123, MeSH D030342.

Allele frequency attached by ClinVar (database versions not stated): gnomAD 0.00001; TOPMed 0.00001.
gnomAD v4.1: 26 of 1,613,708 alleles (0.0016%); highest among the groups gnomAD compares: Middle Eastern, 0.033%; no homozygotes.

Submissions (2):

GeneDx
Classification: Uncertain significance. Last evaluated: 2025-03-06. Review status: criteria provided, single submitter. Criteria: GeneDx Variant Classification Process June 2021. Collection method: clinical testing. Allele origin: germline. Affected: yes.
Comment: Not observed at significant frequency in large population cohorts (gnomAD); In silico analysis supports that this missense variant has a deleterious effect on protein structure/function; Has not been previously published as pathogenic or benign to our knowledge

Ambry Genetics
Classification: Uncertain significance for Inborn genetic diseases. Last evaluated: 2022-12-19. Review status: criteria provided, single submitter. Criteria: Ambry Variant Classification Scheme 2023. Collection method: clinical testing. Allele origin: germline.